The following is an entry in ClinVar:

NM_182961.4(SYNE1):c.18930G>T (p.Gln6310His)

Gene: SYNE1 (spectrin repeat containing nuclear envelope protein 1; minus strand). Cytogenetic location: 6q25.2.
Variant type: single nucleotide variant.
Coding change: c.18930G>T on transcript NM_182961.4 (MANE Select); coding-DNA position 18930, G replaced by T.
Protein change: p.Gln6310His; replaces glutamine 6310 with histidine.
Molecular consequence: missense variant.
Genome position (GRCh38, 1-based): chr6:152,262,074, C>A on the plus strand (G>T on the coding strand, the complement: SYNE1 is on the minus strand). VCF-style: chr6-152262074-C-A. GRCh37 (hg19) VCF-style: chr6-152583209-C-A.
Other names: c.18930G>T (NM_182961.2); c.18717G>T, p.Gln6239His (NM_033071.5); short protein forms Q6239H, Q6310H.
Identifiers: ClinVar variation 502587 (VCV000502587.16), dbSNP rs759556319, ClinGen allele CA4054814.
Genomic context (GRCh38, chr6:152,262,074, plus strand): 5'-ATGTAAAATATTTGATACCACTTGCTCTTGTTCCTGTTCCAGAACATTCTGTAGTAGTTT[C>A]TGCTTGGTACTAAATTCTTGATGTAGGCTTTCCCATTTCATTCTCATCTGGTCTTCAGCG-3'
Protein context (NP_892006.3, residues 6300-6320): ESLHQEFSTK[Gln6310His]KLLQNVLEQE

ClinVar aggregate classification (germline): Conflicting classifications of pathogenicity. Review status: criteria provided, conflicting classifications (1 of 4 stars). 6 submissions from 6 submitters: Uncertain significance (5); Likely benign (1). Last evaluated 2025-09-09.

Conditions:
Emery-Dreifuss muscular dystrophy 4, autosomal dominant (EDMD4). Also called: EMERY-DREIFUSS MUSCULAR DYSTROPHY 4 WITH VARIABLE FEATURES. Identifiers: Orphanet 261, MedGen C2751807, MONDO:0013071, OMIM 612998.
Autosomal recessive ataxia, Beauce type. Also called: SYNE1 Deficiency; Spinocerebellar ataxia, autosomal recessive 8; ATAXIA, RECESSIVE, OF BEAUCE; SYNE1-Related Autosomal Recessive Cerebellar Ataxia. Identifiers: Orphanet 88644, MedGen C1853116, MONDO:0012549, OMIM 610743.
SYNE1-related disorder. Also called: SYNE1-related disorders; SYNE1-related disease; SYNE1-related condition.

Allele frequency attached by ClinVar (database versions not stated): TOPMed 0.00002; gnomAD 0.00003; gnomAD exomes 0.00010 and 0.00005; ExAC 0.00007.
gnomAD v4.1: 40 of 1,613,634 alleles (0.0025%); highest among the groups gnomAD compares: Admixed American, 0.06%; no homozygotes.

Submissions (6):

PreventionGenetics, part of Exact Sciences
Classification: Uncertain significance for SYNE1-related condition. Last evaluated: 2025-09-09. Review status: criteria provided, single submitter. Criteria: ACMG Guidelines, 2015. Collection method: clinical testing. Allele origin: germline.
Comment: The SYNE1 c.18717G>T variant is predicted to result in the amino acid substitution p.Gln6239His. To our knowledge, this variant has not been reported in the literature. This variant is reported in 0.076% of alleles in individuals of Latino descent in gnomAD. At this time, the clinical significance of this variant is uncertain due to the absence of conclusive functional and genetic evidence.

Revvity Omics, Revvity
Classification: Likely benign. Last evaluated: 2023-09-15. Review status: criteria provided, single submitter. Criteria: ACMG Guidelines, 2015. Collection method: clinical testing. Allele origin: germline.

GeneDx
Classification: Uncertain significance. Last evaluated: 2023-03-30. Review status: criteria provided, single submitter. Criteria: GeneDx Variant Classification Process June 2021. Collection method: clinical testing. Allele origin: germline. Affected: yes.
Comment: In silico analysis supports that this missense variant does not alter protein structure/function; Has not been previously published as pathogenic or benign to our knowledge; This variant is associated with the following publications: (PMID: 27178001)

Labcorp Genetics (formerly Invitae), Labcorp
Classification: Uncertain significance for Emery-Dreifuss muscular dystrophy 4, autosomal dominant; Autosomal recessive ataxia, Beauce type. Last evaluated: 2022-09-27. Review status: criteria provided, single submitter. Criteria: Invitae Variant Classification Sherloc (09022015). Collection method: clinical testing. Allele origin: germline.
Comment: This sequence change replaces glutamine, which is neutral and polar, with histidine, which is basic and polar, at codon 6239 of the SYNE1 protein (p.Gln6239His). This variant is present in population databases (rs759556319, gnomAD 0.09%). This variant has not been reported in the literature in individuals affected with SYNE1-related conditions. ClinVar contains an entry for this variant (Variation ID: 502587). Algorithms developed to predict the effect of missense changes on protein structure and function are either unavailable or do not agree on the potential impact of this missense change (SIFT: "Deleterious"; PolyPhen-2: "Benign"; Align-GVGD: "Class C0"). In summary, the available evidence is currently insufficient to determine the role of this variant in disease. Therefore, it has been classified as a Variant of Uncertain Significance.

Athena Diagnostics
Classification: Uncertain significance. Last evaluated: 2020-09-28. Review status: criteria provided, single submitter. Criteria: Athena Diagnostics criteria. Collection method: clinical testing. Allele origin: unknown.

Eurofins Ntd Llc (ga)
Classification: Uncertain significance. Last evaluated: 2018-06-15. Review status: criteria provided, single submitter. Criteria: EGL ClinVar v180209 classification definitions. Collection method: clinical testing. Allele origin: germline. Observed: 2 variant alleles, 2 heterozygotes.